The following is an entry in ClinVar:

ClinVar aggregate classification (germline): Uncertain significance (1 of 4 stars; one submission).

Conditions:
Danon disease. Also called: Glycogen Storage Disease Type IIb; ANTOPOL DISEASE; PSEUDOGLYCOGENOSIS II; GSD IIb; LYSOSOMAL GLYCOGEN STORAGE DISEASE WITHOUT ACID MALTASE DEFICIENCY. Identifiers: Orphanet 34587, MedGen C0878677, MONDO:0010281, OMIM 300257.

Submission:

Labcorp Genetics (formerly Invitae), Labcorp
Classification: Uncertain significance for Danon disease. Last evaluated: 2021-07-08. Review status: criteria provided, single submitter. Criteria: Invitae Variant Classification Sherloc (09022015). Collection method: clinical testing. Allele origin: germline.
Comment: This sequence change replaces valine with leucine at codon 137 of the LAMP2 protein (p.Val137Leu). The valine residue is moderately conserved and there is a small physicochemical difference between valine and leucine. This variant is not present in population databases (ExAC no frequency). This variant has not been reported in the literature in individuals affected with LAMP2-related conditions. Algorithms developed to predict the effect of missense changes on protein structure and function are either unavailable or do not agree on the potential impact of this missense change (SIFT: "Tolerated"; PolyPhen-2: "Possibly Damaging"; Align-GVGD: "Class C0"). In summary, the available evidence is currently insufficient to determine the role of this variant in disease. Therefore, it has been classified as a Variant of Uncertain Significance.

NM_002294.3(LAMP2):c.409G>C (p.Val137Leu)

Gene: LAMP2 (lysosome associated membrane protein 2; minus strand). Cytogenetic location: Xq24.
Variant type: single nucleotide variant.
Coding change: c.409G>C on transcript NM_002294.3 (MANE Select); coding-DNA position 409, G replaced by C.
Protein change: p.Val137Leu; replaces valine 137 with leucine.
Molecular consequence: missense variant.
Genome position (GRCh38, 1-based): chrX:120,449,117, C>G on the plus strand (G>C on the coding strand, the complement: LAMP2 is on the minus strand). VCF-style: chrX-120449117-C-G. GRCh37 (hg19) VCF-style: chrX-119582972-C-G.
Other names: c.409G>C, p.Val137Leu (NM_001122606.1, NM_013995.2); short protein forms V137L.
Identifiers: ClinVar variation 1489362 (VCV001489362.8), dbSNP rs2147283117, ClinGen allele CA414402366.